The following is an entry in ClinVar:

NM_015599.3(PGM3):c.392C>G (p.Pro131Arg)

Gene: PGM3 (phosphoglucomutase 3; minus strand). Cytogenetic location: 6q14.1.
Variant type: single nucleotide variant.
Coding change: c.392C>G on transcript NM_015599.3 (MANE Select); coding-DNA position 392, C replaced by G.
Protein change: p.Pro131Arg; replaces proline 131 with arginine.
Molecular consequence: missense variant. On other transcripts: non-coding transcript variant (1).
Genome position (GRCh38, 1-based): chr6:83,187,073, G>C on the plus strand (C>G on the coding strand, the complement: PGM3 is on the minus strand). VCF-style: chr6-83187073-G-C. GRCh37 (hg19) VCF-style: chr6-83896792-G-C.
Other names: c.476C>G, p.Pro159Arg (NM_001199917.2, NM_001367287.1); c.149C>G, p.Pro50Arg (NM_001199918.2); c.392C>G, p.Pro131Arg (NM_001199919.2, NM_001367286.1); short protein forms P50R, P131R, P159R.
Identifiers: ClinVar variation 2767312 (VCV002767312.3), dbSNP rs2538190998, ClinGen allele CA364850708.

ClinVar aggregate classification (germline): Uncertain significance (1 of 4 stars; one submission).

Conditions:
Immunodeficiency 23 (IMD23). Also called: IMMUNODEFICIENCY WITH HYPER IgE AND COGNITIVE IMPAIRMENT; IMMUNODEFICIENCY-VASCULITIS-MYOCLONUS SYNDROME. Identifiers: Orphanet 443811, MedGen C4014371, MONDO:0014353, OMIM 615816.

Submission:

Labcorp Genetics (formerly Invitae), Labcorp
Classification: Uncertain significance for Immunodeficiency 23. Last evaluated: 2023-10-09. Review status: criteria provided, single submitter. Criteria: Invitae Variant Classification Sherloc (09022015). Collection method: clinical testing. Allele origin: germline.
Comment: This sequence change replaces proline, which is neutral and non-polar, with arginine, which is basic and polar, at codon 159 of the PGM3 protein (p.Pro159Arg). This variant is not present in population databases (gnomAD no frequency). This variant has not been reported in the literature in individuals affected with PGM3-related conditions. An algorithm developed to predict the effect of missense changes on protein structure and function (PolyPhen-2) suggests that this variant is likely to be disruptive. In summary, the available evidence is currently insufficient to determine the role of this variant in disease. Therefore, it has been classified as a Variant of Uncertain Significance.